The following is an entry in ClinVar:

ClinVar aggregate classification (germline): Conflicting classifications of pathogenicity. Review status: criteria provided, conflicting classifications (1 of 4 stars). 2 submissions from 2 submitters: Uncertain significance (1); Likely benign (1). Last evaluated 2023-03-23.

Conditions:
Hereditary cancer-predisposing syndrome. Also called: Tumor predisposition; Hereditary Cancer Syndrome; Neoplastic Syndromes, Hereditary; Hereditary neoplastic syndrome. Identifiers: Orphanet 140162, MedGen C0027672, MeSH D009386, MONDO:0015356.

gnomAD v4.1: 1 of 1,613,222 alleles (0.000062%); highest among the groups gnomAD compares: Non-Finnish European, 0.000085%; no homozygotes.

Submissions (2):

University of Washington Department of Laboratory Medicine, University of Washington
Classification: Likely benign for Hereditary cancer-predisposing syndrome. Last evaluated: 2023-03-23. Review status: criteria provided, single submitter. Criteria: Dines et al. (Genet Med. 2020). Collection method: curation. Allele origin: germline.
Comment: Missense variant in a coldspot region where missense variants are very unlikely to be pathogenic (PMID:31911673).

BRCA2 exon 11 coldspot. Reclassification based on statistical prior probability.

Ambry Genetics
Classification: Uncertain significance for Hereditary cancer-predisposing syndrome. Last evaluated: 2019-07-01. Review status: criteria provided, single submitter. Criteria: Ambry Variant Classification Scheme 2023. Collection method: clinical testing. Allele origin: germline.
Comment: The p.I1024L variant (also known as c.3070A>C), located in coding exon 10 of the BRCA2 gene, results from an A to C substitution at nucleotide position 3070. The isoleucine at codon 1024 is replaced by leucine, an amino acid with highly similar properties. This amino acid position is not well conserved in available vertebrate species. In addition, this alteration is predicted to be tolerated by in silico analysis. Since supporting evidence is limited at this time, the clinical significance of this alteration remains unclear.

NM_000059.4(BRCA2):c.3070A>C (p.Ile1024Leu)

Gene: BRCA2 (BRCA2 DNA repair associated; plus strand). Cytogenetic location: 13q13.1.
Variant type: single nucleotide variant.
Coding change: c.3070A>C on transcript NM_000059.4 (MANE Select); coding-DNA position 3070, A replaced by C.
Protein change: p.Ile1024Leu; replaces isoleucine 1024 with leucine.
Molecular consequence: missense variant.
Genome position (GRCh38, 1-based): chr13:32,337,425, A>C. VCF-style: chr13-32337425-A-C. GRCh37 (hg19) VCF-style: chr13-32911562-A-C.
Other names: short protein forms I1024L.
Identifiers: ClinVar variation 822792 (VCV000822792.6), dbSNP rs876659687, ClinGen allele CA387775163.
Genomic context (GRCh38, chr13:32,337,425, plus strand): 5'-AGTTTTGGAGGTAGCTTCAGAACAGCTTCAAATAAGGAAATCAAGCTCTCTGAACATAAC[A>C]TTAAGAAGAGCAAAATGTTCTTCAAAGATATTGAAGAACAATATCCTACTAGTTTAGCTT-3'
Protein context (NP_000050.3, residues 1014-1034): NKEIKLSEHN[Ile1024Leu]KKSKMFFKDI